The following is an entry in ClinVar:

ClinVar aggregate classification (germline): Uncertain significance (1 of 4 stars; one submission).

Submission:

Ambry Genetics
Classification: Uncertain significance. Last evaluated: 2025-03-02. Review status: criteria provided, single submitter. Criteria: Ambry Variant Classification Scheme 2023. Collection method: clinical testing. Allele origin: germline.
Comment: The p.P1575A variant (also known as c.4723C>G), located in coding exon 19 of the WNK2 gene, results from a C to G substitution at nucleotide position 4723. The proline at codon 1575 is replaced by alanine, an amino acid with highly similar properties. This amino acid position is conserved. In addition, this alteration is predicted to be tolerated by in silico analysis. Based on the available evidence, the clinical significance of this variant remains unclear.

NM_006648.4(WNK2):c.4723C>G (p.Pro1575Ala)

Gene: WNK2 (WNK lysine deficient protein kinase 2; plus strand). Cytogenetic location: 9q22.31.
Variant type: single nucleotide variant.
Coding change: c.4723C>G on transcript NM_006648.4 (MANE Select); coding-DNA position 4723, C replaced by G.
Protein change: p.Pro1575Ala; replaces proline 1575 with alanine.
Molecular consequence: missense variant.
Genome position (GRCh38, 1-based): chr9:93,289,477, C>G. VCF-style: chr9-93289477-C-G. GRCh37 (hg19) VCF-style: chr9-96051759-C-G.
Other names: c.4834C>G, p.Pro1612Ala (NM_001282394.3); short protein forms P1612A, P1575A.
Identifiers: ClinVar variation 3817201 (VCV003817201.1).
Genomic context (GRCh38, chr9:93,289,477, plus strand): 5'-AAGCTGCGGACTCTGCTCTACCAGGAGCACGTGCCCACCTCCTCAGCCTCAGCTGGGACC[C>G]CTGTGGAGGTGGGCGACAGAGACTTCACCCTGGAGCCCCTGAGAGGGGACCAGCCCCGCT-3'
Protein context (NP_006639.3, residues 1565-1585): VPTSSASAGT[Pro1575Ala]VEVGDRDFTL